The following is an entry in ClinVar:

ClinVar aggregate classification (germline): Uncertain significance (1 of 4 stars; one submission).

Conditions:
PRPH2-related disorder. Also called: PRPH2-related condition; PRPH2-related disorders. Identifiers: MedGen CN239395.

Submission:

Labcorp Genetics (formerly Invitae), Labcorp
Classification: Uncertain significance for PRPH2-related disorder. Last evaluated: 2022-10-07. Review status: criteria provided, single submitter. Criteria: Invitae Variant Classification Sherloc (09022015). Collection method: clinical testing. Allele origin: germline.
Comment: This sequence change falls in intron 1 of the PRPH2 gene. It does not directly change the encoded amino acid sequence of the PRPH2 protein. It affects a nucleotide within the consensus splice site. This variant is not present in population databases (gnomAD no frequency). This variant has not been reported in the literature in individuals affected with PRPH2-related conditions. Variants that disrupt the consensus splice site are a relatively common cause of aberrant splicing (PMID: 17576681, 9536098). Algorithms developed to predict the effect of sequence changes on RNA splicing suggest that this variant may create or strengthen a splice site. In summary, the available evidence is currently insufficient to determine the role of this variant in disease. Therefore, it has been classified as a Variant of Uncertain Significance.

Literature cited by the submitters: PubMed 17576681; PubMed 9536098.

NM_000322.5(PRPH2):c.581+6T>C

Gene: PRPH2 (peripherin 2; minus strand). Cytogenetic location: 6p21.1.
Variant type: single nucleotide variant.
Coding change: c.581+6T>C on transcript NM_000322.5 (MANE Select); 6 bases into the intron after coding-DNA position 581, T replaced by C.
Molecular consequence: intron variant.
Genome position (GRCh38, 1-based): chr6:42,721,748, A>G on the plus strand (T>C on the coding strand, the complement: PRPH2 is on the minus strand). VCF-style: chr6-42721748-A-G. GRCh37 (hg19) VCF-style: chr6-42689486-A-G.
Identifiers: ClinVar variation 2032899 (VCV002032899.4), dbSNP rs1761904652, ClinGen allele CA2580074525.